The following is an entry in ClinVar:

ClinVar aggregate classification (germline): Pathogenic (1 of 4 stars; one submission).

Submission:

Labcorp Genetics (formerly Invitae), Labcorp
Classification: Pathogenic. Last evaluated: 2025-08-13. Review status: criteria provided, single submitter. Criteria: Invitae Variant Classification Sherloc (09022015). Collection method: clinical testing. Allele origin: germline.
Comment: This sequence change creates a premature translational stop signal (p.Asn410Lysfs*51) in the LZTR1 gene. It is expected to result in an absent or disrupted protein product. Loss-of-function variants in LZTR1 are known to be pathogenic (PMID: 24362817, 25335493, 25480913, 25795793, 29469822, 30368668, 30442762, 30442766, 30481304, 30859559). This variant is not present in population databases (gnomAD no frequency). This variant has not been reported in the literature in individuals affected with LZTR1-related conditions. For these reasons, this variant has been classified as Pathogenic.

Literature cited by the submitters: PubMed 24362817; PubMed 25335493; PubMed 25480913; PubMed 25795793; PubMed 29469822; PubMed 30368668; PubMed 30442762; PubMed 30442766; PubMed 30481304; PubMed 30859559.

NM_006767.4(LZTR1):c.1230del (p.Asn410fs)

Gene: LZTR1 (leucine zipper like post translational regulator 1; plus strand). Cytogenetic location: 22q11.21.
Variant type: Deletion.
Coding change: c.1230del on transcript NM_006767.4 (MANE Select); coding-DNA position 1230, one base deleted (C; older notation c.1230delC).
Protein change: p.Asn410fs; shifts the reading frame from asparagine 410.
Molecular consequence: frameshift variant.
Genome position (GRCh38, 1-based): chr22:20,992,874, C deleted. VCF-style (leftmost placement, unchanged base first): chr22-20992873-AC-A. GRCh37 (hg19) VCF-style: chr22-21347162-AC-A.
Other names: short protein forms N410fs.
Identifiers: ClinVar variation 4725413 (VCV004725413.1).